The following is an entry in ClinVar:

NM_001006658.3(CR2):c.1807T>G (p.Ser603Ala)

Gene: CR2 (complement C3d receptor 2; plus strand). Cytogenetic location: 1q32.2.
Variant type: single nucleotide variant.
Coding change: c.1807T>G on transcript NM_001006658.3 (MANE Select); coding-DNA position 1807, T replaced by G.
Protein change: p.Ser603Ala; replaces serine 603 with alanine.
Molecular consequence: missense variant.
Genome position (GRCh38, 1-based): chr1:207,473,008, T>G. VCF-style: chr1-207473008-T-G. GRCh37 (hg19) VCF-style: chr1-207646353-T-G.
Other names: c.1807T>G, p.Ser603Ala (NM_001877.5); short protein forms S603A.
Identifiers: ClinVar variation 1714434 (VCV001714434.5), dbSNP rs774489557, ClinGen allele CA344534540.
Genomic context (GRCh38, chr1:207,473,008, plus strand): 5'-AGAGGCACCTGGAGTGGCCCTGCTCCCCTGTGTAAACTTTCCCTCCTTGCTGTCCAGTGC[T>G]CACATGTCCATATTGCAAATGGATACAAGATATCTGGCAAGGAAGCCCCATATTTCTACA-3'
Protein context (NP_001006659.1, residues 593-613): CKLSLLAVQC[Ser603Ala]HVHIANGYKI

ClinVar aggregate classification (germline): Uncertain significance (1 of 4 stars; one submission).

Conditions:
Immunodeficiency, common variable, 7. Identifiers: Orphanet 1572, Orphanet 696894, MedGen C3542922, MONDO:0013862, OMIM 614699.

Submission:

Labcorp Genetics (formerly Invitae), Labcorp
Classification: Uncertain significance for Immunodeficiency, common variable, 7. Last evaluated: 2025-01-06. Review status: criteria provided, single submitter. Criteria: Invitae Variant Classification Sherloc (09022015). Collection method: clinical testing. Allele origin: germline.
Comment: This sequence change replaces serine, which is neutral and polar, with alanine, which is neutral and non-polar, at codon 603 of the CR2 protein (p.Ser603Ala). This variant is not present in population databases (gnomAD no frequency). This variant has not been reported in the literature in individuals affected with CR2-related conditions. ClinVar contains an entry for this variant (Variation ID: 1714434). An algorithm developed to predict the effect of missense changes on protein structure and function (PolyPhen-2) suggests that this variant is likely to be tolerated. In summary, the available evidence is currently insufficient to determine the role of this variant in disease. Therefore, it has been classified as a Variant of Uncertain Significance.